The following is an entry in ClinVar:

NM_001394062.1(MACF1):c.13054A>G (p.Met4352Val)

Gene: MACF1 (microtubule actin crosslinking factor 1; plus strand). Cytogenetic location: 1p34.3.
Variant type: single nucleotide variant.
Coding change: c.13054A>G on transcript NM_001394062.1 (MANE Select); coding-DNA position 13054, A replaced by G.
Protein change: p.Met4352Val; replaces methionine 4352 with valine.
Molecular consequence: missense variant.
Genome position (GRCh38, 1-based): chr1:39,370,145, A>G. VCF-style: chr1-39370145-A-G. GRCh37 (hg19) VCF-style: chr1-39835817-A-G.
Other names: c.6868A>G, p.Met2290Val (NM_012090.5); short protein forms M2290V, M4352V.
Identifiers: ClinVar variation 1232730 (VCV001232730.16), dbSNP rs2296172, ClinGen allele CA781941.

ClinVar aggregate classification (germline): Benign. Review status: criteria provided, multiple submitters, no conflicts (2 of 4 stars). 6 submissions from 6 submitters: Benign (5). 1 of the submissions does not count toward it. Last evaluated 2026-02-02.

Conditions:
MACF1-related disorder. Also called: MACF1-related condition.
Lissencephaly 9 with complex brainstem malformation. Identifiers: Orphanet 572013, MedGen C5193029, MONDO:0032677, OMIM 618325.

Allele frequency attached by ClinVar (database versions not stated): 1000 Genomes Project 30x 0.11805; 1000 Genomes Project 0.11821; TOPMed 0.15598; gnomAD 0.15947 and 0.15996; ESP Exome Variant Server 0.16246; ExAC 0.18529.
gnomAD v4.1: 316,993 of 1,613,338 alleles (20%); highest among the groups gnomAD compares: Non-Finnish European, 21%; 33,104 homozygotes.

Submissions (8):

Labcorp Genetics (formerly Invitae), Labcorp
Classification: Benign. Last evaluated: 2026-02-02. Review status: criteria provided, single submitter. Criteria: Invitae Variant Classification Sherloc (09022015). Collection method: clinical testing. Allele origin: germline.

Blueprint Genetics
Classification: Benign. Last evaluated: 2024-11-26. Review status: criteria provided, single submitter. Criteria: ACMG Guidelines, 2015. Collection method: clinical testing. Allele origin: germline.

Genome-Nilou Lab
Classification: Benign for Lissencephaly 9 with complex brainstem malformation. Last evaluated: 2023-04-11. Review status: criteria provided, single submitter. Criteria: ACMG Guidelines, 2015. Collection method: clinical testing. Allele origin: germline. Affected: no.

GeneDx
Classification: Benign. Last evaluated: 2021-05-04. Review status: criteria provided, single submitter. Criteria: GeneDx Variant Classification Process June 2021. Collection method: clinical testing. Allele origin: germline. Affected: yes.
Comment: This variant is associated with the following publications: (PMID: 29748316, 29632382, 23160641)

Breakthrough Genomics
Classification: Benign. Review status: criteria provided, single submitter. Criteria: ACMG Guidelines, 2015. Collection method: not provided. Allele origin: germline. Inheritance: Autosomal dominant inheritance. Affected: yes.

PreventionGenetics, part of Exact Sciences
Classification: Benign for MACF1-related condition. Last evaluated: 2019-06-28. Review status: no assertion criteria provided. Collection method: clinical testing. Allele origin: germline. Not counted in ClinVar's aggregate classification.
Comment: This variant is classified as benign based on ACMG/AMP sequence variant interpretation guidelines (Richards et al. 2015 PMID: 25741868, with internal and published modifications).

Dr. Peter K. Rogan Lab, Western University
No classification provided (evidence only). Condition: Malignant lymphoma, large B-cell, diffuse. Review status: no classification provided. Collection method: in vitro. Allele origin: not applicable. Functional consequence: retained intron. Not counted in ClinVar's aggregate classification.

Dr. Peter K. Rogan Lab, Western University
No classification provided (evidence only). Condition: Malignant lymphoma, large B-cell, diffuse. Review status: no classification provided. Collection method: in vitro. Allele origin: not applicable. Functional consequence: retained intron. Not counted in ClinVar's aggregate classification.